The following is an entry in ClinVar:

ClinVar aggregate classification (germline): Uncertain significance. Review status: criteria provided, multiple submitters, no conflicts (2 of 4 stars). 2 submissions from 2 submitters: Uncertain significance (2). Last evaluated 2026-06-24.

Conditions:
Cardiovascular phenotype. Identifiers: MedGen CN230736.

Submissions (2):

Ambry Genetics
Classification: Uncertain significance for Cardiovascular phenotype. Last evaluated: 2026-06-24. Review status: criteria provided, single submitter. Criteria: Ambry Variant Classification Scheme 2023. Collection method: clinical testing. Allele origin: germline.
Comment: The p.P315S variant (also known as c.943C>T), located in coding exon 1 of the FKRP gene, results from a C to T substitution at nucleotide position 943. The proline at codon 315 is replaced by serine, an amino acid with similar properties. This variant was reported in individual(s) with features consistent with FKRP-related dystroglycanopathies (Mercuri E et al. Neurology, 2009 May;72:1802-9). This amino acid position is highly conserved in available vertebrate species. In addition, this alteration is predicted to be deleterious by in silico analysis. Based on the available evidence, the clinical significance of this variant remains unclear.

Women's Health and Genetics/Laboratory Corporation of America, LabCorp
Classification: Uncertain significance. Last evaluated: 2024-12-23. Review status: criteria provided, single submitter. Criteria: LabCorp Variant Classification Summary - May 2015. Collection method: clinical testing. Allele origin: germline.
Comment: Variant summary: FKRP c.943C>T (p.Pro315Ser) results in a non-conservative amino acid change in the encoded protein sequence. Five of five in-silico tools predict a damaging effect of the variant on protein function. The frequency data for this variant in gnomAD is considered unreliable, as metrics indicate poor data quality at this position. c.943C>T has been reported in the literature in a compound heterozygous individual affected with Muscular dystrophy (congenital with brain and eye anomalies), who carried a pathogenic variant in trans (Mercuri_2009). These data do not allow clear conclusions about variant significance. To our knowledge, no experimental evidence demonstrating an impact on protein function has been reported. The following publication have been ascertained in the context of this evaluation (PMID: 19299310). No submitters have cited clinical-significance assessments for this variant to ClinVar. Based on the evidence outlined above, the variant was classified as uncertain significance.

Literature cited by the submitters: PubMed 19299310 (cited by Ambry Genetics and Women's Health and Genetics/Laboratory Corporation of America, LabCorp).

NM_024301.5(FKRP):c.943C>T (p.Pro315Ser)

Gene: FKRP (fukutin related protein; plus strand). Cytogenetic location: 19q13.32.
Variant type: single nucleotide variant.
Coding change: c.943C>T on transcript NM_024301.5 (MANE Select); coding-DNA position 943, C replaced by T.
Protein change: p.Pro315Ser; replaces proline 315 with serine.
Molecular consequence: missense variant.
Genome position (GRCh38, 1-based): chr19:46,756,393, C>T. VCF-style: chr19-46756393-C-T. GRCh37 (hg19) VCF-style: chr19-47259650-C-T.
Other names: c.943C>T (NM_024301.4); c.943C>T, p.Pro315Ser (NM_001039885.3); short protein forms P315S.
Identifiers: ClinVar variation 3768480 (VCV003768480.2).
Genomic context (GRCh38, chr19:46,756,393, plus strand): 5'-CGCTGCTTCGGAACCGTGGTGGGCGACACGCCCGCCTACCTCTACGAGGAGCGCTGGACG[C>T]CCCCCTGCTGCCTGCGCGCGCTGCGCGAGACCGCCCGCTATGTGGTGGGCGTGCTGGAGG-3'
Protein context (NP_077277.1, residues 305-325): PAYLYEERWT[Pro315Ser]PCCLRALRET